The following is an entry in ClinVar:

NM_001080476.3(GRXCR1):c.784C>T (p.Arg262Ter)

Gene: GRXCR1 (glutaredoxin and cysteine rich domain containing 1; plus strand). Cytogenetic location: 4p13.
Variant type: single nucleotide variant.
Coding change: c.784C>T on transcript NM_001080476.3 (MANE Select); coding-DNA position 784, C replaced by T.
Protein change: p.Arg262Ter; replaces arginine 262 with a stop codon.
Molecular consequence: nonsense.
Genome position (GRCh38, 1-based): chr4:43,030,451, C>T. VCF-style: chr4-43030451-C-T. GRCh37 (hg19) VCF-style: chr4-43032468-C-T.
Other names: short protein forms R262*.
Identifiers: ClinVar variation 505242 (VCV000505242.13), dbSNP rs761349153, ClinGen allele CA2904532.

ClinVar aggregate classification (germline): Likely pathogenic. Review status: criteria provided, multiple submitters, no conflicts (2 of 4 stars). 4 submissions from 4 submitters: Likely pathogenic (4). Last evaluated 2025-10-05.

Conditions:
Autosomal recessive nonsyndromic hearing loss 25. Identifiers: Orphanet 90636, MedGen C1414017, MONDO:0013210, OMIM 613285.
Monogenic hearing loss.
Rare genetic deafness. Identifiers: Orphanet 96210, MedGen C5680250.

Allele frequency attached by ClinVar (database versions not stated): gnomAD exomes 0.00003; TOPMed 0.00003; gnomAD 0.00001 and 0.00002; ExAC 0.00002.

Submissions (4):

Genetics Laboratory, Great Ormond Street Hospital NHS Foundation Trust, North Thames Genomic Laboratory Hub
Classification: Likely pathogenic for Monogenic hearing loss. Last evaluated: 2025-10-05. Review status: criteria provided, single submitter. Criteria: ACGS Best Practice Guidelines for Variant Classification in Rare Disease 2024 v1.2. Collection method: clinical testing. Allele origin: germline. Affected: yes.
Comment: PM2_moderate, PVS1_strong, PM3_supporting

Labcorp Genetics (formerly Invitae), Labcorp
Classification: Likely pathogenic. Last evaluated: 2025-01-06. Review status: criteria provided, single submitter. Criteria: Invitae Variant Classification Sherloc (09022015). Collection method: clinical testing. Allele origin: germline.
Comment: This sequence change creates a premature translational stop signal (p.Arg262*) in the GRXCR1 gene. While this is not anticipated to result in nonsense mediated decay, it is expected to disrupt the last 29 amino acid(s) of the GRXCR1 protein. This variant is present in population databases (rs761349153, gnomAD 0.02%). This premature translational stop signal has been observed in individuals with deafness (PMID: 25802247, 31389194). ClinVar contains an entry for this variant (Variation ID: 505242). Algorithms developed to predict the effect of sequence changes on RNA splicing suggest that this variant may disrupt the consensus splice site. In summary, the currently available evidence indicates that the variant is pathogenic, but additional data are needed to prove that conclusively. Therefore, this variant has been classified as Likely Pathogenic.

Laboratory for Molecular Medicine, Mass General Brigham Personalized Medicine
Classification: Likely pathogenic for Rare genetic deafness. Last evaluated: 2016-08-18. Review status: criteria provided, single submitter. Criteria: LMM Criteria. Collection method: clinical testing. Allele origin: germline. Inheritance: Autosomal recessive inheritance. Observed: 2 variant alleles.
Comment: The p.Arg262X variant in GRXCR1 has been reported in one individual with hearing loss and segregated with disease in one affected relative (Mori 2015). Both ind ividuals also harbored a second GRXCR1 variant on the remaining copy of the gene . This variant has been identified in 2/8614 East Asian chromosomes by the Exome Aggregation Consortium (ExAC; dbSNP rs761349153 ). Although this variant has been seen in the general population, its frequency is low enough to be consistent with a recessive carrier frequency. This nonsense variant leads to a premature termination codon at position 262, which is locate d in the last exon and is more likely to escape nonsense mediated decay (NMD) an d result in a truncated protein. The GRXCR1 gene contains four exons, and the l ast exon is highly conserved; however, truncating variants have not been reporte d 3' of the p.Arg262X variant. In summary, although additional studies are requi red to fully establish its clinical significance, the p.Arg262X variant is likel y pathogenic for autosomal recessive hearing loss.

Juno Genomics, Hangzhou Juno Genomics, Inc
Classification: Likely pathogenic for Autosomal recessive nonsyndromic hearing loss 25. Review status: criteria provided, single submitter. Criteria: ACMG Guidelines, 2015. Collection method: clinical testing. Allele origin: germline.
Comment: Absent from controls (or at extremely low frequency if recessive) in Genome Aggregation Database.;Null variant in a gene where loss of function (LOF) is a known mechanism of disease.;For recessive disorders, detected in trans with a pathogenic variant.

Literature cited by the submitters: PubMed 25802247 (cited by Labcorp Genetics (formerly Invitae), Labcorp and Laboratory for Molecular Medicine, Mass General Brigham Personalized Medicine); PubMed 31389194 (cited by Labcorp Genetics (formerly Invitae), Labcorp).